The following is an entry in ClinVar:

ClinVar aggregate classification (germline): Uncertain significance. Review status: criteria provided, multiple submitters, no conflicts (2 of 4 stars). 2 submissions from 2 submitters: Uncertain significance (2). Last evaluated 2025-11-03.

gnomAD v4.1: 14 of 1,559,726 alleles (0.0009%); highest among the groups gnomAD compares: African/African-American, 0.0098%; no homozygotes.

Submissions (2):

Labcorp Genetics (formerly Invitae), Labcorp
Classification: Uncertain significance. Last evaluated: 2025-11-03. Review status: criteria provided, single submitter. Criteria: Invitae Variant Classification Sherloc (09022015). Collection method: clinical testing. Allele origin: germline.
Comment: This sequence change replaces glycine, which is neutral and non-polar, with valine, which is neutral and non-polar, at codon 8 of the SRP72 protein (p.Gly8Val). This variant is present in population databases (no rsID available, gnomAD 0.01%). This variant has not been reported in the literature in individuals affected with SRP72-related conditions. ClinVar contains an entry for this variant (Variation ID: 3801436). An algorithm developed to predict the effect of missense changes on protein structure and function (PolyPhen-2) suggests that this variant is likely to be disruptive. In summary, the available evidence is currently insufficient to determine the role of this variant in disease. Therefore, it has been classified as a Variant of Uncertain Significance.

Ambry Genetics
Classification: Uncertain significance. Last evaluated: 2025-08-21. Review status: criteria provided, single submitter. Criteria: Ambry Variant Classification Scheme 2023. Collection method: clinical testing. Allele origin: germline.

NM_006947.4(SRP72):c.23G>T (p.Gly8Val)

Genes: SRP72 (signal recognition particle 72; plus strand), LOC129992625 (ATAC-STARR-seq lymphoblastoid active region 21580; plus strand). Cytogenetic location: 4q12.
Variant type: single nucleotide variant.
Coding change: c.23G>T on transcript NM_006947.4 (MANE Select); coding-DNA position 23, G replaced by T.
Protein change: p.Gly8Val; replaces glycine 8 with valine.
Molecular consequence: missense variant. On other transcripts: non-coding transcript variant (1).
Genome position (GRCh38, 1-based): chr4:56,467,658, G>T. VCF-style: chr4-56467658-G-T. GRCh37 (hg19) VCF-style: chr4-57333824-G-T.
Other names: c.23G>T, p.Gly8Val (NM_001267722.2); short protein forms G8V.
Identifiers: ClinVar variation 3801436 (VCV003801436.3).